The following is an entry in ClinVar:

NM_003098.3(SNTA1):c.905A>G (p.Glu302Gly)

Gene: SNTA1 (syntrophin alpha 1; minus strand). Cytogenetic location: 20q11.21.
Variant type: single nucleotide variant.
Coding change: c.905A>G on transcript NM_003098.3 (MANE Select); coding-DNA position 905, A replaced by G.
Protein change: p.Glu302Gly; replaces glutamic acid 302 with glycine.
Molecular consequence: missense variant.
Genome position (GRCh38, 1-based): chr20:33,412,579, T>C on the plus strand (A>G on the coding strand, the complement: SNTA1 is on the minus strand). VCF-style: chr20-33412579-T-C. GRCh37 (hg19) VCF-style: chr20-32000385-T-C.
Other names: short protein forms E302G.
Identifiers: ClinVar variation 496196 (VCV000496196.11), dbSNP rs763371307, ClinGen allele CA9817113.

ClinVar aggregate classification (germline): Uncertain significance. Review status: criteria provided, multiple submitters, no conflicts (2 of 4 stars). 3 submissions from 3 submitters: Uncertain significance (3). Last evaluated 2025-08-19.

Conditions:
Long QT syndrome (LQTS). Identifiers: MedGen C0023976, MeSH D008133, MONDO:0002442. Disease mechanism: loss of function. Inheritance: Various modes of inheritance.
Cardiovascular phenotype. Identifiers: MedGen CN230736.

Allele frequency attached by ClinVar (database versions not stated): ExAC 0.00001; gnomAD 0.00001 and 0.00002; gnomAD exomes 0.00001 and below 0.00001; TOPMed 0.00001.
gnomAD v4.1: 5 of 1,613,000 alleles (0.00031%); highest among the groups gnomAD compares: Admixed American, 0.005%; no homozygotes.

Submissions (3):

Ambry Genetics
Classification: Uncertain significance for Cardiovascular phenotype. Last evaluated: 2025-08-19. Review status: criteria provided, single submitter. Criteria: Ambry Variant Classification Scheme 2023. Collection method: clinical testing. Allele origin: germline.
Comment: The p.E302G variant (also known as c.905A>G), located in coding exon 4 of the SNTA1 gene, results from an A to G substitution at nucleotide position 905. The glutamic acid at codon 302 is replaced by glycine, an amino acid with similar properties. This amino acid position is conserved. In addition, the in silico prediction for this alteration is inconclusive. Based on the available evidence, the clinical significance of this variant remains unclear.

Labcorp Genetics (formerly Invitae), Labcorp
Classification: Uncertain significance for Long QT syndrome. Last evaluated: 2022-08-09. Review status: criteria provided, single submitter. Criteria: Invitae Variant Classification Sherloc (09022015). Collection method: clinical testing. Allele origin: germline.
Comment: In summary, the available evidence is currently insufficient to determine the role of this variant in disease. Therefore, it has been classified as a Variant of Uncertain Significance. Algorithms developed to predict the effect of missense changes on protein structure and function are either unavailable or do not agree on the potential impact of this missense change (SIFT: "Deleterious"; PolyPhen-2: "Probably Damaging"; Align-GVGD: "Class C0"). ClinVar contains an entry for this variant (Variation ID: 496196). This variant has not been reported in the literature in individuals affected with SNTA1-related conditions. This variant is present in population databases (rs763371307, gnomAD 0.006%). This sequence change replaces glutamic acid, which is acidic and polar, with glycine, which is neutral and non-polar, at codon 302 of the SNTA1 protein (p.Glu302Gly).

Women's Health and Genetics/Laboratory Corporation of America, LabCorp
Classification: Uncertain significance. Last evaluated: 2016-04-15. Review status: criteria provided, single submitter. Criteria: LabCorp Variant Classification Summary - May 2015. Collection method: clinical testing. Allele origin: germline.
Comment: Variant summary: Variant affects a conserved nucleotide and results in a replacement of a medium size and acidic Glutamic acid (E) with a small size and hydrophobic Glycine (G). 4/4 in silico tools predict the variant to have a disease causing impact (SNPs&GO was not considered because of the low reliability index). Variant was found in the large and broad cohorts of the ExAC project at an allele frequency of 0.00083% which does not exceed the maximal expected allele frequency of a disease causing SNTA1 variant (0.001%). To our knowledge, the variant was not reported in affected patients and in vitro/vivo studies assessing the functional impact of the variant were not published either at the time of scoring. Due to lack of clinical data and functional studies, the variant was classified as a variant of uncertain significance until more information becomes available